The following is an entry in ClinVar:

ClinVar aggregate classification (germline): Uncertain significance (0 of 4 stars; one submission).

Conditions:
DYNC1H1-related disorder. Also called: DYNC1H1-related condition; DYNC1H1-related disorders. Identifiers: MedGen CN381529.

gnomAD v4.1: 2 of 1,614,220 alleles (0.00012%); no homozygotes.

Submission:

PreventionGenetics, part of Exact Sciences
Classification: Uncertain significance for DYNC1H1-related condition. Last evaluated: 2024-04-02. Review status: no assertion criteria provided. Collection method: clinical testing. Allele origin: germline.
Comment: The DYNC1H1 c.11998C>T variant is predicted to result in the amino acid substitution p.Arg4000Cys. To our knowledge, this variant has not been reported in the literature. This variant is reported in 0.0092% of alleles in individuals of European (Finnish) descent in gnomAD. At this time, the clinical significance of this variant is uncertain due to the absence of conclusive functional and genetic evidence.

NM_001376.5(DYNC1H1):c.11998C>T (p.Arg4000Cys)

Gene: DYNC1H1 (dynein cytoplasmic 1 heavy chain 1; plus strand). Cytogenetic location: 14q32.31.
Variant type: single nucleotide variant.
Coding change: c.11998C>T on transcript NM_001376.5 (MANE Select); coding-DNA position 11998, C replaced by T.
Protein change: p.Arg4000Cys; replaces arginine 4000 with cysteine.
Molecular consequence: missense variant.
Genome position (GRCh38, 1-based): chr14:102,041,630, C>T. VCF-style: chr14-102041630-C-T. GRCh37 (hg19) VCF-style: chr14-102507967-C-T.
Other names: short protein forms R4000C.
Identifiers: ClinVar variation 3346152 (VCV003346152.1).